The following is an entry in ClinVar:

ClinVar aggregate classification (germline): Benign/Likely benign. Review status: criteria provided, multiple submitters, no conflicts (2 of 4 stars). 2 submissions from 2 submitters: Benign (1); Likely benign (1). Last evaluated 2024-12-12.

Conditions:
EPHA2-related disorder. Also called: EPHA2-related condition.
Cataract 6 multiple types. Also called: CATARACT 6, POSTERIOR POLAR; CATARACT 6, CONGENITAL TOTAL; CATARACT, AGE-RELATED CORTICAL, 2. Identifiers: Orphanet 91492, MedGen C1861825, MONDO:0007288, OMIM 116600.

Allele frequency attached by ClinVar (database versions not stated): TOPMed 0.00002; ESP Exome Variant Server 0.00023.
gnomAD v4.1: 69 of 1,541,406 alleles (0.0045%); highest among the groups gnomAD compares: South Asian, 0.044%; 1 homozygote.

Submissions (2):

PreventionGenetics, part of Exact Sciences
Classification: Likely benign for EPHA2-related condition. Last evaluated: 2024-12-12. Review status: criteria provided, single submitter. Criteria: ACMG Guidelines, 2015. Collection method: clinical testing. Allele origin: germline.
Comment: This variant is classified as likely benign based on ACMG/AMP sequence variant interpretation guidelines (Richards et al. 2015 PMID: 25741868, with internal and published modifications).

Illumina Laboratory Services, Illumina
Classification: Benign for Cataract 6 multiple types. Last evaluated: 2017-04-27. Review status: criteria provided, single submitter. Criteria: ICSL Variant Classification Criteria 13 December 2019. Collection method: clinical testing. Allele origin: germline.
Comment: This variant was observed as part of a predisposition screen in an ostensibly healthy population. A literature search was performed for the gene, cDNA change, and amino acid change (where applicable). No publications were found based on this search. Allele frequency data from public databases was too high to be consistent with this variant causing disease. Therefore, this variant is classified as benign.

NM_004431.5(EPHA2):c.2476-5G>A

Gene: EPHA2 (EPH receptor A2; minus strand). Cytogenetic location: 1p36.13.
Variant type: single nucleotide variant.
Coding change: c.2476-5G>A on transcript NM_004431.5 (MANE Select); 5 bases into the intron before coding-DNA position 2476, G replaced by A.
Molecular consequence: intron variant.
Genome position (GRCh38, 1-based): chr1:16,130,424, C>T on the plus strand (G>A on the coding strand, the complement: EPHA2 is on the minus strand). VCF-style: chr1-16130424-C-T. GRCh37 (hg19) VCF-style: chr1-16456919-C-T.
Other names: c.2476-5G>A (NM_004431.4); c.2314-5G>A (NM_001329090.2).
Identifiers: ClinVar variation 873863 (VCV000873863.5), dbSNP rs374463695, ClinGen allele CA624798.